The following is an entry in ClinVar:

NC_012920.1(MT-ND4):m.11151C>T

Gene: MT-ND4 (mitochondrially encoded NADH dehydrogenase 4; plus strand).
Variant type: single nucleotide variant.
Genome position: chrM-11151-C-T.
Identifiers: ClinVar variation 693348 (VCV000693348.1), dbSNP rs1556423903, ClinGen allele CA414809574.

ClinVar aggregate classification (germline): Benign (1 of 4 stars; one submission).

Conditions:
Leigh syndrome (NULS). Also called: Leigh's necrotizing encephalopathy; Leigh's disease; Leigh Syndrome (mtDNA deletion); Leigh Disease; Subacute necrotizing encephalopathy; Necrotizing encephalopathy infantile subacute of Leigh. Identifiers: Orphanet 506, MedGen C2931891, MONDO:0009723, OMIM 256000.

Submission:

Wong Mito Lab, Molecular and Human Genetics, Baylor College of Medicine
Classification: Benign for Leigh syndrome. Last evaluated: 2019-10-17. Review status: criteria provided, single submitter. Criteria: Modified ACMG Guidelines (Unpublished). Collection method: clinical testing. Allele origin: germline.
Comment: The NC_012920.1:m.11151C>T (YP_003024035.1:p.Ala131Val) variant in MTND4 gene is interpretated to be a Benign variant based on the modified ACMG guidelines (unpublished). This variant meets the following evidence codes: BS1, BS2, BP4